The following is an entry in ClinVar:

NM_004551.3(NDUFS3):c.540C>A (p.Asn180Lys)

Gene: NDUFS3 (NADH:ubiquinone oxidoreductase core subunit S3; plus strand). Cytogenetic location: 11p11.2.
Variant type: single nucleotide variant.
Coding change: c.540C>A on transcript NM_004551.3 (MANE Select); coding-DNA position 540, C replaced by A.
Protein change: p.Asn180Lys; replaces asparagine 180 with lysine.
Molecular consequence: missense variant.
Genome position (GRCh38, 1-based): chr11:47,582,381, C>A. VCF-style: chr11-47582381-C-A. GRCh37 (hg19) VCF-style: chr11-47603933-C-A.
Other names: short protein forms N180K.
Identifiers: ClinVar variation 1312272 (VCV001312272.2), dbSNP rs750546500, ClinGen allele CA5978026.

ClinVar aggregate classification (germline): Uncertain significance (1 of 4 stars; one submission).

Allele frequency attached by ClinVar (database versions not stated): ExAC 0.00001; gnomAD 0.00002.
gnomAD v4.1: 91 of 1,614,092 alleles (0.0056%); highest among the groups gnomAD compares: Non-Finnish European, 0.0077%; no homozygotes.

Submission:

GeneDx
Classification: Uncertain significance. Last evaluated: 2021-01-26. Review status: criteria provided, single submitter. Criteria: GeneDx Variant Classification Process June 2021. Collection method: clinical testing. Allele origin: germline. Affected: yes.
Comment: Not observed at a significant frequency in large population cohorts (Lek et al., 2016); In silico analysis, which includes protein predictors and evolutionary conservation, supports a deleterious effect; Has not been previously published as pathogenic or benign to our knowledge